The following is an entry in ClinVar:

ClinVar aggregate classification (germline): Likely pathogenic (1 of 4 stars; one submission).

Submission:

Labcorp Genetics (formerly Invitae), Labcorp
Classification: Likely pathogenic. Last evaluated: 2023-08-04. Review status: criteria provided, single submitter. Criteria: Invitae Variant Classification Sherloc (09022015). Collection method: clinical testing. Allele origin: germline.
Comment: This sequence change affects a donor splice site in intron 2 of the GNPTG gene. It is expected to disrupt RNA splicing. Variants that disrupt the donor or acceptor splice site typically lead to a loss of protein function (PMID: 16199547), and loss-of-function variants in GNPTG are known to be pathogenic (PMID: 19370764, 20301784). This variant is not present in population databases (gnomAD no frequency). This variant has not been reported in the literature in individuals affected with GNPTG-related conditions. Algorithms developed to predict the effect of sequence changes on RNA splicing suggest that this variant may disrupt the consensus splice site. In summary, the currently available evidence indicates that the variant is pathogenic, but additional data are needed to prove that conclusively. Therefore, this variant has been classified as Likely Pathogenic.

Literature cited by the submitters: PubMed 16199547; PubMed 19370764; PubMed 20301784.

NM_032520.5(GNPTG):c.110+2T>C

Gene: GNPTG (N-acetylglucosamine-1-phosphate transferase subunit gamma; plus strand). Cytogenetic location: 16p13.3.
Variant type: single nucleotide variant.
Coding change: c.110+2T>C on transcript NM_032520.5 (MANE Select); the canonical splice donor site of the intron after coding-DNA position 110, T replaced by C.
Molecular consequence: splice donor variant.
Genome position (GRCh38, 1-based): chr16:1,352,161, T>C. VCF-style: chr16-1352161-T-C. GRCh37 (hg19) VCF-style: chr16-1402162-T-C.
Identifiers: ClinVar variation 2750059 (VCV002750059.3), dbSNP rs2548185752, ClinGen allele CA394184239.